The following is an entry in ClinVar:

ClinVar aggregate classification (germline): Uncertain significance (1 of 4 stars; one submission).

Submission:

CeGaT Center for Human Genetics Tuebingen
Classification: Uncertain significance. Last evaluated: 2026-04-01. Review status: criteria provided, single submitter. Criteria: CeGaT Center For Human Genetics Tuebingen Variant Classification Criteria Version 2. Collection method: clinical testing. Allele origin: germline. Affected: yes. Observed: 1 variant allele.
Comment: HYDIN: PM2, BP4

NM_001270974.2(HYDIN):c.1432G>A (p.Ala478Thr)

Gene: HYDIN (HYDIN axonemal central pair apparatus protein; minus strand). Cytogenetic location: 16q22.2.
Variant type: single nucleotide variant.
Coding change: c.1432G>A on transcript NM_001270974.2 (MANE Select); coding-DNA position 1432, G replaced by A.
Protein change: p.Ala478Thr; replaces alanine 478 with threonine.
Molecular consequence: missense variant.
Genome position (GRCh38, 1-based): chr16:71,093,831, C>T on the plus strand (G>A on the coding strand, the complement: HYDIN is on the minus strand). VCF-style: chr16-71093831-C-T. GRCh37 (hg19) VCF-style: chr16-71127734-C-T.
Other names: c.1432G>A, p.Ala478Thr (NM_017558.5); c.1513G>A, p.Ala505Thr (NM_001198542.1); c.1483G>A, p.Ala495Thr (NM_001198543.1); short protein forms A478T, A495T, A505T.
Identifiers: ClinVar variation 4872674 (VCV004872674.2).